The following is an entry in ClinVar:

ClinVar aggregate classification (germline): Uncertain significance. Review status: criteria provided, single submitter (1 of 4 stars). 2 submissions from 2 submitters: Uncertain significance (1). 1 of the submissions does not count toward it. Last evaluated 2021-08-13.

Conditions:
Schimke immuno-osseous dysplasia (SIOD). Also called: Schimke Immunoosseous Dysplasia. Identifiers: Orphanet 1830, MedGen C0877024, MONDO:0009458, OMIM 242900.

Allele frequency attached by ClinVar (database versions not stated): gnomAD exomes 0.00001 and 0.00002; ExAC 0.00003.
gnomAD v4.1: 6 of 1,614,230 alleles (0.00037%); highest among the groups gnomAD compares: South Asian, 0.0066%; no homozygotes.

Submissions (2):

Labcorp Genetics (formerly Invitae), Labcorp
Classification: Uncertain significance for Schimke immuno-osseous dysplasia. Last evaluated: 2021-08-13. Review status: criteria provided, single submitter. Criteria: Invitae Variant Classification Sherloc (09022015). Collection method: clinical testing. Allele origin: germline.
Comment: This sequence change replaces glutamic acid with glycine at codon 344 of the SMARCAL1 protein (p.Glu344Gly). The glutamic acid residue is moderately conserved and there is a moderate physicochemical difference between glutamic acid and glycine. This variant is present in population databases (rs745997031, ExAC 0.02%). This variant has not been reported in the literature in individuals affected with SMARCAL1-related conditions. Algorithms developed to predict the effect of missense changes on protein structure and function are either unavailable or do not agree on the potential impact of this missense change (SIFT: "Tolerated"; PolyPhen-2: "Probably Damaging"; Align-GVGD: "Class C0"). In summary, the available evidence is currently insufficient to determine the role of this variant in disease. Therefore, it has been classified as a Variant of Uncertain Significance.

Natera, Inc.
Classification: Uncertain significance for Schimke immuno-osseous dysplasia. Last evaluated: 2020-11-23. Review status: no assertion criteria provided. Collection method: clinical testing. Allele origin: germline. Not counted in ClinVar's aggregate classification.

NM_014140.4(SMARCAL1):c.1031A>G (p.Glu344Gly)

Gene: SMARCAL1 (SNF2 related chromatin remodeling annealing helicase 1; plus strand). Cytogenetic location: 2q35.
Variant type: single nucleotide variant.
Coding change: c.1031A>G on transcript NM_014140.4 (MANE Select); coding-DNA position 1031, A replaced by G.
Protein change: p.Glu344Gly; replaces glutamic acid 344 with glycine.
Molecular consequence: missense variant.
Genome position (GRCh38, 1-based): chr2:216,420,467, A>G. VCF-style: chr2-216420467-A-G. GRCh37 (hg19) VCF-style: chr2-217285190-A-G.
Other names: c.1031A>G, p.Glu344Gly (NM_001127207.2); short protein forms E344G.
Identifiers: ClinVar variation 845450 (VCV000845450.10), dbSNP rs745997031, ClinGen allele CA2097759.